The following is an entry in ClinVar:

ClinVar aggregate classification (germline): Conflicting classifications of pathogenicity. Review status: criteria provided, conflicting classifications (1 of 4 stars). 2 submissions from 2 submitters: Uncertain significance (1); Likely benign (1). Last evaluated 2024-09-23.

Conditions:
Inborn genetic diseases. Identifiers: MedGen C0950123, MeSH D030342.

Allele frequency attached by ClinVar (database versions not stated): gnomAD 0.00009; TOPMed 0.00013; ESP Exome Variant Server 0.00015; gnomAD exomes 0.00015; ExAC 0.00044.

Submissions (2):

Women's Health and Genetics/Laboratory Corporation of America, LabCorp
Classification: Uncertain significance. Last evaluated: 2024-09-23. Review status: criteria provided, single submitter. Criteria: LabCorp Variant Classification Summary - May 2015. Collection method: clinical testing. Allele origin: germline.
Comment: Variant summary: NPRL2 c.488G>A (p.Arg163Gln) results in a conservative amino acid change in the encoded protein sequence. Three of five in-silico tools predict a benign effect of the variant on protein function. The variant allele was found at a frequency of 0.00023 in 251338 control chromosomes. This frequency is not significantly higher than estimated for a pathogenic variant in NPRL2 causing Epilepsy, Familial Focal, With Variable Foci 2, allowing no conclusion about variant significance. To our knowledge, no occurrence of c.488G>A in individuals affected with Epilepsy, Familial Focal, With Variable Foci 2 and no experimental evidence demonstrating its impact on protein function have been reported. ClinVar contains an entry for this variant (Variation ID: 2515426). Based on the evidence outlined above, the variant was classified as uncertain significance.

Ambry Genetics
Classification: Likely benign for Inborn genetic diseases. Last evaluated: 2023-04-18. Review status: criteria provided, single submitter. Criteria: Ambry Variant Classification Scheme 2023. Collection method: clinical testing. Allele origin: germline.

NM_006545.5(NPRL2):c.488G>A (p.Arg163Gln)

Gene: NPRL2 (NPR2 like, GATOR1 complex subunit; minus strand). Cytogenetic location: 3p21.31.
Variant type: single nucleotide variant.
Coding change: c.488G>A on transcript NM_006545.5 (MANE Select); coding-DNA position 488, G replaced by A.
Protein change: p.Arg163Gln; replaces arginine 163 with glutamine.
Molecular consequence: missense variant.
Genome position (GRCh38, 1-based): chr3:50,348,971, C>T on the plus strand (G>A on the coding strand, the complement: NPRL2 is on the minus strand). VCF-style: chr3-50348971-C-T. GRCh37 (hg19) VCF-style: chr3-50386402-C-T.
Other names: short protein forms R163Q.
Identifiers: ClinVar variation 2515426 (VCV002515426.3), dbSNP rs376159787, ClinGen allele CA2417578.